The following is an entry in ClinVar:

NM_001164508.2(NEB):c.21469G>T (p.Val7157Leu)

Genes: NEB (nebulin; minus strand), RIF1 (replication timing regulatory factor 1; plus strand). Cytogenetic location: 2q23.3.
Variant type: single nucleotide variant.
Coding change: c.21469G>T on transcript NM_001164508.2 (MANE Select); coding-DNA position 21469, G replaced by T.
Protein change: p.Val7157Leu; replaces valine 7157 with leucine.
Molecular consequence: missense variant.
Genome position (GRCh38, 1-based): chr2:151,531,845, C>A on the plus strand (G>T on the coding strand, the complement: NEB is on the minus strand). VCF-style: chr2-151531845-C-A. GRCh37 (hg19) VCF-style: chr2-152388359-C-A.
Other names: c.21469G>T, p.Val7157Leu (NM_001164507.2); c.21574G>T, p.Val7192Leu (NM_001271208.2); c.16366G>T, p.Val5456Leu (NM_004543.5); short protein forms V5456L, V7192L, V7157L.
Identifiers: ClinVar variation 647870 (VCV000647870.8), dbSNP rs1576490497, ClinGen allele CA348770533.

ClinVar aggregate classification (germline): Uncertain significance (1 of 4 stars; one submission).

Conditions:
Nemaline myopathy 2 (NEM2). Also called: Nemaline myopathy 2, autosomal recessive. Identifiers: MedGen C1850569, MONDO:0009725, OMIM 256030.

Allele frequency attached by ClinVar (database versions not stated): gnomAD exomes below 0.00001.
gnomAD v4.1: 1 of 1,613,014 alleles (0.000062%); highest among the groups gnomAD compares: Admixed American, 0.0017%; no homozygotes.

Submission:

Labcorp Genetics (formerly Invitae), Labcorp
Classification: Uncertain significance for Nemaline myopathy 2. Last evaluated: 2024-01-08. Review status: criteria provided, single submitter. Criteria: Invitae Variant Classification Sherloc (09022015). Collection method: clinical testing. Allele origin: germline.
Comment: This sequence change replaces valine, which is neutral and non-polar, with leucine, which is neutral and non-polar, at codon 7192 of the NEB protein (p.Val7192Leu). This variant is not present in population databases (gnomAD no frequency). This variant has not been reported in the literature in individuals affected with NEB-related conditions. ClinVar contains an entry for this variant (Variation ID: 647870). Experimental studies and prediction algorithms are not available or were not evaluated, and the functional significance of this variant is currently unknown. In summary, the available evidence is currently insufficient to determine the role of this variant in disease. Therefore, it has been classified as a Variant of Uncertain Significance.